The following is an entry in ClinVar:

ClinVar aggregate classification (germline): Uncertain significance (1 of 4 stars; one submission).

Conditions:
Inborn genetic diseases. Identifiers: MedGen C0950123, MeSH D030342.

gnomAD v4.1: 2 of 1,211,324 alleles (0.00017%); highest among the groups gnomAD compares: Admixed American, 0.0044%; no homozygotes.

Submission:

Ambry Genetics
Classification: Uncertain significance for Inborn genetic diseases. Last evaluated: 2025-10-14. Review status: criteria provided, single submitter. Criteria: Ambry Variant Classification Scheme 2023. Collection method: clinical testing. Allele origin: germline.
Comment: The c.1132T>C (p.Y378H) alteration is located in exon 8 (coding exon 8) of the CHM gene. This alteration results from a T to C substitution at nucleotide position 1132, causing the tyrosine (Y) at amino acid position 378 to be replaced by a histidine (H). Based on data from gnomAD, the C allele has an overall frequency of 0.001% (2/182862) total alleles studied. The highest observed frequency was 0.007% (2/27361) of Latino alleles. Based on insufficient or conflicting evidence, the clinical significance of this alteration remains unclear.

NM_000390.4(CHM):c.1132T>C (p.Tyr378His)

Gene: CHM (CHM Rab escort protein; minus strand). Cytogenetic location: Xq21.2.
Variant type: single nucleotide variant.
Coding change: c.1132T>C on transcript NM_000390.4 (MANE Select); coding-DNA position 1132, T replaced by C.
Protein change: p.Tyr378His; replaces tyrosine 378 with histidine.
Molecular consequence: missense variant.
Genome position (GRCh38, 1-based): chrX:85,956,187, A>G on the plus strand (T>C on the coding strand, the complement: CHM is on the minus strand). VCF-style: chrX-85956187-A-G. GRCh37 (hg19) VCF-style: chrX-85211192-A-G.
Other names: c.688T>C, p.Tyr230His (NM_001320959.1, NM_001362517.1, NM_001362518.2 and 1 more transcripts); short protein forms Y378H, Y230H.
Identifiers: ClinVar variation 4614971 (VCV004614971.1).